The following is an entry in ClinVar:

NM_000506.5(F2):c.1298+19G>A

Gene: F2 (coagulation factor II, thrombin; plus strand). Cytogenetic location: 11p11.2.
Variant type: single nucleotide variant.
Coding change: c.1298+19G>A on transcript NM_000506.5 (MANE Select); 19 bases into the intron after coding-DNA position 1298, G replaced by A.
Molecular consequence: intron variant.
Genome position (GRCh38, 1-based): chr11:46,728,182, G>A. VCF-style: chr11-46728182-G-A. GRCh37 (hg19) VCF-style: chr11-46749732-G-A.
Identifiers: ClinVar variation 1676733 (VCV001676733.4), dbSNP rs753976233, ClinGen allele CA5967248.

ClinVar aggregate classification (germline): Conflicting classifications of pathogenicity. Review status: criteria provided, conflicting classifications (1 of 4 stars). 2 submissions from 2 submitters: Uncertain significance (1); Likely benign (1). Last evaluated 2026-01-19.

Conditions:
Thrombophilia due to thrombin defect (THPH1). Also called: Prothrombin Thrombophilia; Thrombosis susceptibility; THROMBOPHILIA DUE TO FACTOR 2 DEFECT; Prothrombin-Related Thrombophilia (Factor II). Identifiers: MedGen C3160733, MONDO:0008559, OMIM 188050. Disease mechanism: gain of function, loss of function.
Congenital prothrombin deficiency. Also called: Inherited hypoprothrombinemia; Congenital factor II deficiency; Inherited prothrombin deficiency; Factor II deficiency; HYPOPROTHROMBINEMIA; Hereditary factor II deficiency disease. Identifiers: Orphanet 325, MedGen C0272317, MONDO:0013361, OMIM 613679.

Allele frequency attached by ClinVar (database versions not stated): gnomAD exomes 0.00002; TOPMed 0.00002; gnomAD 0.00003.

Submissions (2):

Labcorp Genetics (formerly Invitae), Labcorp
Classification: Likely benign for Congenital prothrombin deficiency. Last evaluated: 2026-01-19. Review status: criteria provided, single submitter. Criteria: Invitae Variant Classification Sherloc (09022015). Collection method: clinical testing. Allele origin: germline.

ISTH-SSC Genomics in Thrombosis and Hemostasis, KU Leuven, Center for Molecular and Vascular Biology
Classification: Uncertain significance for Thrombophilia due to thrombin defect. Review status: criteria provided, single submitter. Criteria: ACMG Guidelines, 2015. Collection method: clinical testing. Allele origin: unknown. Affected: yes.
Comment: Submitted to GoldVariant by Kathleen Freson, Center for Molecular and Vascular Biology, Leuven, Belgium

Literature cited by the submitters: PubMed 34355501 (cited by ISTH-SSC Genomics in Thrombosis and Hemostasis, KU Leuven, Center for Molecular and Vascular Biology).